The following is an entry in ClinVar:

NM_000603.5(NOS3):c.231G>A (p.Gly77=)

Gene: NOS3 (nitric oxide synthase 3; plus strand). Cytogenetic location: 7q36.1.
Variant type: single nucleotide variant.
Coding change: c.231G>A on transcript NM_000603.5 (MANE Select); coding-DNA position 231, G replaced by A.
Protein change: p.Gly77=; no amino-acid change (glycine 77 retained).
Molecular consequence: synonymous variant.
Genome position (GRCh38, 1-based): chr7:150,995,275, G>A. VCF-style: chr7-150995275-G-A. GRCh37 (hg19) VCF-style: chr7-150692363-G-A.
Other names: c.231G>A, p.Gly77= (NM_001160109.2, NM_001160110.1, NM_001160111.1).
Identifiers: ClinVar variation 4873436 (VCV004873436.2).

ClinVar aggregate classification (germline): Likely benign (1 of 4 stars; one submission).

gnomAD v4.1: 9 of 1,611,578 alleles (0.00056%); highest among the groups gnomAD compares: Admixed American, 0.0033%; no homozygotes.

Submission:

CeGaT Center for Human Genetics Tuebingen
Classification: Likely benign. Last evaluated: 2026-04-01. Review status: criteria provided, single submitter. Criteria: CeGaT Center For Human Genetics Tuebingen Variant Classification Criteria Version 2. Collection method: clinical testing. Allele origin: germline. Affected: yes. Observed: 1 variant allele.
Comment: NOS3: BP4, BP7